The following is an entry in ClinVar:

NM_004360.5(CDH1):c.935del (p.Pro312fs)

Gene: CDH1 (cadherin 1; plus strand). Cytogenetic location: 16q22.1.
Variant type: Deletion.
Coding change: c.935del on transcript NM_004360.5 (MANE Select); coding-DNA position 935, one base deleted (C; older notation c.935delC).
Protein change: p.Pro312fs; shifts the reading frame from proline 312.
Molecular consequence: frameshift variant. On other transcripts: 5 prime UTR variant (2).
Genome position (GRCh38, 1-based): chr16:68,811,786, C deleted; the last of 3 consecutive C bases (chr16:68,811,784-68,811,786); deleting any one gives the same sequence. VCF-style (leftmost placement, unchanged base first): chr16-68811783-TC-T. GRCh37 (hg19) VCF-style: chr16-68845686-TC-T.
Other names: c.935del, p.Pro312fs (NM_001317184.2); c.-681del (NM_001317185.2); c.-885del (NM_001317186.2); short protein forms P312fs.
Identifiers: ClinVar variation 1457844 (VCV001457844.6), dbSNP rs2152132050, ClinGen allele CA2573152598.

ClinVar aggregate classification (germline): Pathogenic (1 of 4 stars; one submission).

Conditions:
Hereditary diffuse gastric adenocarcinoma (HDGC). Also called: DIFFUSE GASTRIC AND LOBULAR BREAST CANCER SYNDROME. Identifiers: Orphanet 26106, MedGen C1708349, MONDO:0007648, OMIM 137215.

Submission:

Labcorp Genetics (formerly Invitae), Labcorp
Classification: Pathogenic for Hereditary diffuse gastric adenocarcinoma. Last evaluated: 2021-12-06. Review status: criteria provided, single submitter. Criteria: Invitae Variant Classification Sherloc (09022015). Collection method: clinical testing. Allele origin: germline.
Comment: For these reasons, this variant has been classified as Pathogenic. This variant has not been reported in the literature in individuals affected with CDH1-related conditions. This variant is not present in population databases (gnomAD no frequency). This sequence change creates a premature translational stop signal (p.Pro312Leufs*44) in the CDH1 gene. It is expected to result in an absent or disrupted protein product. Loss-of-function variants in CDH1 are known to be pathogenic (PMID: 15235021, 20373070).

Literature cited by the submitters: PubMed 15235021; PubMed 20373070.